The following is an entry in ClinVar:

NM_003801.4(GPAA1):c.1227C>T (p.Ala409=)

Gene: GPAA1 (glycosylphosphatidylinositol anchor attachment 1; plus strand). Cytogenetic location: 8q24.3.
Variant type: single nucleotide variant.
Coding change: c.1227C>T on transcript NM_003801.4 (MANE Select); coding-DNA position 1227, C replaced by T.
Protein change: p.Ala409=; no amino-acid change (alanine 409 retained).
Molecular consequence: synonymous variant.
Genome position (GRCh38, 1-based): chr8:144,085,105, C>T. VCF-style: chr8-144085105-C-T. GRCh37 (hg19) VCF-style: chr8-145140008-C-T.
Other names: p.Ala409=.
Identifiers: ClinVar variation 1170772 (VCV001170772.32), dbSNP rs76463479, ClinGen allele CA4933100.

ClinVar aggregate classification (germline): Benign/Likely benign. Review status: criteria provided, multiple submitters, no conflicts (2 of 4 stars). 3 submissions from 3 submitters: Benign (2); Likely benign (1). Last evaluated 2026-02-02.

Allele frequency attached by ClinVar (database versions not stated): 1000 Genomes Project 30x 0.00141; 1000 Genomes Project 0.00160; TOPMed 0.00375; gnomAD 0.00404 and 0.00426; gnomAD exomes 0.00410 and 0.00600; ExAC 0.00450; ESP Exome Variant Server 0.00487.

Submissions (3):

Labcorp Genetics (formerly Invitae), Labcorp
Classification: Benign. Last evaluated: 2026-02-02. Review status: criteria provided, single submitter. Criteria: Invitae Variant Classification Sherloc (09022015). Collection method: clinical testing. Allele origin: germline.

CeGaT Center for Human Genetics Tuebingen
Classification: Likely benign. Last evaluated: 2025-12-01. Review status: criteria provided, single submitter. Criteria: CeGaT Center For Human Genetics Tuebingen Variant Classification Criteria Version 2. Collection method: clinical testing. Allele origin: germline. Affected: yes. Observed: 12 variant alleles.
Comment: GPAA1: BP4, BP7, BS2

Mayo Clinic Laboratories, Mayo Clinic
Classification: Benign. Last evaluated: 2023-02-21. Review status: criteria provided, single submitter. Criteria: ACMG Guidelines, 2015. Collection method: clinical testing. Allele origin: germline. Observed: 4 variant alleles.
Comment: BS1, BS2, BP4, BP7